The following is an entry in ClinVar:

NM_000545.8(HNF1A):c.618G>C (p.Trp206Cys)

Gene: HNF1A (HNF1 homeobox A; plus strand). Cytogenetic location: 12q24.31.
Variant type: single nucleotide variant.
Coding change: c.618G>C on transcript NM_000545.8 (MANE Select); coding-DNA position 618, G replaced by C.
Protein change: p.Trp206Cys; replaces tryptophan 206 with cysteine.
Molecular consequence: missense variant.
Genome position (GRCh38, 1-based): chr12:120,993,611, G>C. VCF-style: chr12-120993611-G-C. GRCh37 (hg19) VCF-style: chr12-121431414-G-C.
Other names: NM_001306179.2:c.618G>C; c.618G>C, p.Trp206Cys (NM_001306179.2); short protein forms W206C.
Identifiers: ClinVar variation 1699994 (VCV001699994.2), dbSNP rs2135839338, ClinGen allele CA386964398.

ClinVar aggregate classification (germline): Uncertain significance (3 of 4 stars; one submission).

Conditions:
Monogenic diabetes. Identifiers: Orphanet 183625, MedGen C3888631, MONDO:0015967.

Submission:

ClinGen Monogenic Diabetes Variant Curation Expert Panel
Classification: Uncertain significance for Monogenic diabetes. Last evaluated: 2025-09-02. Review status: reviewed by expert panel. Criteria: ClinGen Diabetes ACMG Specifications HNF1A V3.0.0. Collection method: curation. Allele origin: germline. Inheritance: Autosomal dominant inheritance.
Comment: The c.618G>C variant in the HNF1 homeobox A gene, HNF1A, causes an amino acid change of tryptophan to cysteine at codon 206 (p.(Trp206Cys)) of NM_000545.8. This variant is predicted to be deleterious by computational evidence, with a REVEL score of 0.923, which is greater than the MDEP threshold of 0.70 (PP3). Additionally, this variant resides in an amino acid within the HNF1α DNA binding domain that directly binds DNA, which is defined as critical for the protein’s function by the ClinGen MDEP (PM1). This variant is absent from gnomAD v4.1.0 (PM2_Supporting). Lastly, another missense variant, c.616T>A p.(Trp206Arg), has been classified as likely pathogenic by the ClinGen MDEP (PM5_Supporting). In summary, c.618G>C meets the criteria to be classified as a variant of uncertain significance for monogenic diabetes. ACMG/AMP criteria applied, as specified by the ClinGen MDEP (specification version 3.0.0, approved 6/30/2025): PP3, PM1, PM2_Supporting, PM5_Supporting.